The following is an entry in ClinVar:

NM_001374736.1(DST):c.1545A>G (p.Val515=)

Gene: DST (dystonin; minus strand). Cytogenetic location: 6p12.1.
Variant type: single nucleotide variant.
Coding change: c.1545A>G on transcript NM_001374736.1 (MANE Select); coding-DNA position 1545, A replaced by G.
Protein change: p.Val515=; no amino-acid change (valine 515 retained).
Molecular consequence: synonymous variant.
Genome position (GRCh38, 1-based): chr6:56,648,579, T>C on the plus strand (A>G on the coding strand, the complement: DST is on the minus strand). VCF-style: chr6-56648579-T-C. GRCh37 (hg19) VCF-style: chr6-56513377-T-C.
Other names: c.1446A>G, p.Val482= (NM_001144769.5); c.1032A>G, p.Val344= (NM_001144770.2); c.1545A>G, p.Val515= (NM_001374722.1); c.912A>G, p.Val304= (NM_001374729.1, NM_001374730.1, NM_001386100.1 and 1 more transcripts); c.1572A>G, p.Val524= (NM_001374734.1).
Identifiers: ClinVar variation 2656678 (VCV002656678.25), dbSNP rs1212718415, ClinGen allele CA450601099.

ClinVar aggregate classification (germline): Likely benign. Review status: criteria provided, multiple submitters, no conflicts (2 of 4 stars). 2 submissions from 2 submitters: Likely benign (2). Last evaluated 2023-04-29.

Allele frequency attached by ClinVar (database versions not stated): gnomAD exomes 0.00001.
gnomAD v4.1: 4 of 1,578,442 alleles (0.00025%); highest among the groups gnomAD compares: Non-Finnish European, 0.00034%; no homozygotes.

Submissions (2):

Blueprint Genetics
Classification: Likely benign. Last evaluated: 2023-04-29. Review status: criteria provided, single submitter. Criteria: ACMG Guidelines, 2015. Collection method: clinical testing. Allele origin: germline.

CeGaT Center for Human Genetics Tuebingen
Classification: Likely benign. Last evaluated: 2022-07-01. Review status: criteria provided, single submitter. Criteria: CeGaT Center For Human Genetics Tuebingen Variant Classification Criteria Version 2. Collection method: clinical testing. Allele origin: germline. Affected: yes. Observed: 1 variant allele.
Comment: DST: BP4, BP7